The following is an entry in ClinVar:

NM_003742.4(ABCB11):c.984C>T (p.Phe328=)

Gene: ABCB11 (ATP binding cassette subfamily B member 11; minus strand). Cytogenetic location: 2q31.1.
Variant type: single nucleotide variant.
Coding change: c.984C>T on transcript NM_003742.4 (MANE Select); coding-DNA position 984, C replaced by T.
Protein change: p.Phe328=; no amino-acid change (phenylalanine 328 retained).
Molecular consequence: synonymous variant.
Genome position (GRCh38, 1-based): chr2:168,986,209, G>A on the plus strand (C>T on the coding strand, the complement: ABCB11 is on the minus strand). VCF-style: chr2-168986209-G-A. GRCh37 (hg19) VCF-style: chr2-169842719-G-A.
Other names: p.Phe328=.
Identifiers: ClinVar variation 1083225 (VCV001083225.11), dbSNP rs769564355, ClinGen allele CA1951738.

ClinVar aggregate classification (germline): Likely benign. Review status: criteria provided, multiple submitters, no conflicts (2 of 4 stars). 3 submissions from 3 submitters: Likely benign (3). Last evaluated 2025-05-28.

Allele frequency attached by ClinVar (database versions not stated): ExAC 0.00001; gnomAD 0.00001; gnomAD exomes 0.00001; TOPMed 0.00001.
gnomAD v4.1: 23 of 1,613,158 alleles (0.0014%); highest among the groups gnomAD compares: Non-Finnish European, 0.0017%; no homozygotes.

Submissions (3):

Mayo Clinic Laboratories, Mayo Clinic
Classification: Likely benign. Last evaluated: 2025-05-28. Review status: criteria provided, single submitter. Criteria: ACMG Guidelines, 2015. Collection method: clinical testing. Allele origin: germline. Observed: 1 variant allele.
Comment: BP4, PM2_supporting

Labcorp Genetics (formerly Invitae), Labcorp
Classification: Likely benign. Last evaluated: 2023-10-15. Review status: criteria provided, single submitter. Criteria: Invitae Variant Classification Sherloc (09022015). Collection method: clinical testing. Allele origin: germline.

Blueprint Genetics
Classification: Likely benign. Last evaluated: 2023-04-19. Review status: criteria provided, single submitter. Criteria: ACMG Guidelines, 2015. Collection method: clinical testing. Allele origin: germline.